The following is an entry in ClinVar:

NM_020708.5(SLC12A5):c.2682T>A (p.His894Gln)

Gene: SLC12A5 (solute carrier family 12 member 5; plus strand). Cytogenetic location: 20q13.12.
Variant type: single nucleotide variant.
Coding change: c.2682T>A on transcript NM_020708.5 (MANE Select); coding-DNA position 2682, T replaced by A.
Protein change: p.His894Gln; replaces histidine 894 with glutamine.
Molecular consequence: missense variant.
Genome position (GRCh38, 1-based): chr20:46,054,918, T>A. VCF-style: chr20-46054918-T-A. GRCh37 (hg19) VCF-style: chr20-44683557-T-A.
Other names: c.2751T>A, p.His917Gln (NM_001134771.2); short protein forms H917Q, H894Q.
Identifiers: ClinVar variation 1029768 (VCV001029768.1), dbSNP rs2084676640, ClinGen allele CA409206652.
Genomic context (GRCh38, chr20:46,054,918, plus strand): 5'-ATGCTTTCCTCCGTGTTCCTCTCCCCACCCCCCAACCCCAACCTCTGTCTGCCCACAGCA[T>A]GAGAGCGACATCTCAGCTTACACCTATGAGAAGACGTTGGTGATGGAGCAGCGTTCCCAG-3'
Protein context (NP_065759.1, residues 884-904): ITAEVEVVEM[His894Gln]ESDISAYTYE

ClinVar aggregate classification (germline): Uncertain significance (1 of 4 stars; one submission).

Conditions:
Developmental and epileptic encephalopathy, 34 (DEE34). Also called: SLC12A5-Related Epilepsy of Infancy with Migrating Focal Seizures; Early infantile epileptic encephalopathy 34. Identifiers: Orphanet 293181, MedGen C4225257, MONDO:0014718, OMIM 616645.

Submission:

Baylor Genetics
Classification: Uncertain significance for Developmental and epileptic encephalopathy, 34. Last evaluated: 2020-01-16. Review status: criteria provided, single submitter. Criteria: ACMG Guidelines, 2015. Collection method: clinical testing. Allele origin: unknown. Affected: yes.
Comment: This variant was determined to be of uncertain significance according to ACMG Guidelines, 2015 [PMID:25741868].